The following is an entry in ClinVar:

ClinVar aggregate classification (germline): Uncertain significance (1 of 4 stars; one submission).

Conditions:
Autosomal dominant hypocalcemia 1 (HYPOC1). Also called: HYPOCALCEMIA, FAMILIAL. Identifiers: MedGen C3715128, MONDO:0011013, OMIM 601198.
Familial hypocalciuric hypercalcemia (FHH). Also called: Familial benign hypercalcemia. Identifiers: Orphanet 405, MedGen C1809471, MONDO:0018458.

Allele frequency attached by ClinVar (database versions not stated): 1000 Genomes Project 0.00020; gnomAD 0.00001; 1000 Genomes Project 30x 0.00016.
gnomAD v4.1: 1 of 1,613,512 alleles (0.000062%); highest among the groups gnomAD compares: Admixed American, 0.0017%; no homozygotes.

Submission:

Labcorp Genetics (formerly Invitae), Labcorp
Classification: Uncertain significance for Familial hypocalciuric hypercalcemia; Autosomal dominant hypocalcemia 1. Last evaluated: 2020-01-28. Review status: criteria provided, single submitter. Criteria: Invitae Variant Classification Sherloc (09022015). Collection method: clinical testing. Allele origin: germline.
Comment: This sequence change replaces methionine with isoleucine at codon 734 of the CASR protein (p.Met734Ile). The methionine residue is moderately conserved and there is a small physicochemical difference between methionine and isoleucine. This variant is not present in population databases (ExAC no frequency). This variant has not been reported in the literature in individuals with CASR-related conditions. Algorithms developed to predict the effect of missense changes on protein structure and function (SIFT, PolyPhen-2, Align-GVGD) all suggest that this variant is likely to be tolerated, but these predictions have not been confirmed by published functional studies and their clinical significance is uncertain. In summary, the available evidence is currently insufficient to determine the role of this variant in disease. Therefore, it has been classified as a Variant of Uncertain Significance.

NM_000388.4(CASR):c.2202G>A (p.Met734Ile)

Gene: CASR (calcium sensing receptor; plus strand). Cytogenetic location: 3q21.1.
Variant type: single nucleotide variant.
Coding change: c.2202G>A on transcript NM_000388.4 (MANE Select); coding-DNA position 2202, G replaced by A.
Protein change: p.Met734Ile; replaces methionine 734 with isoleucine.
Molecular consequence: missense variant.
Genome position (GRCh38, 1-based): chr3:122,284,156, G>A. VCF-style: chr3-122284156-G-A. GRCh37 (hg19) VCF-style: chr3-122003003-G-A.
Other names: c.2232G>A, p.Met744Ile (NM_001178065.2); short protein forms M734I, M744I.
Identifiers: ClinVar variation 1017363 (VCV001017363.10), dbSNP rs542541990, ClinGen allele CA82748800.